The following is an entry in ClinVar:

ClinVar aggregate classification (germline): Pathogenic (1 of 4 stars; one submission).

Conditions:
Familial cancer of breast. Also called: hereditary breast carcinoma; BREAST CANCER, FAMILIAL; Hereditary breast cancer. Identifiers: Orphanet 227535, MedGen C0346153, MONDO:0016419, OMIM 114480. Disease mechanism: loss of function.

Submission:

Labcorp Genetics (formerly Invitae), Labcorp
Classification: Pathogenic for Familial cancer of breast. Last evaluated: 2022-03-08. Review status: criteria provided, single submitter. Criteria: Invitae Variant Classification Sherloc (09022015). Collection method: clinical testing. Allele origin: germline.
Comment: For these reasons, this variant has been classified as Pathogenic. This sequence change creates a premature translational stop signal (p.Val25Argfs*52) in the CHEK2 gene. It is expected to result in an absent or disrupted protein product. Loss-of-function variants in CHEK2 are known to be pathogenic (PMID: 21876083, 24713400). This variant is not present in population databases (gnomAD no frequency). This variant has not been reported in the literature in individuals affected with CHEK2-related conditions.

Literature cited by the submitters: PubMed 21876083; PubMed 24713400.

NM_007194.4(CHEK2):c.72dup (p.Val25fs)

Gene: CHEK2 (checkpoint kinase 2; minus strand). Cytogenetic location: 22q12.1.
Variant type: Duplication.
Coding change: c.72dup on transcript NM_007194.4 (MANE Select); coding-DNA position 72, one base duplicated (C; older notation c.72dupC).
Protein change: p.Val25fs; shifts the reading frame from valine 25.
Molecular consequence: frameshift variant.
Genome position (GRCh38, 1-based): chr22:28,734,650, G duplicated on the plus strand (C on the coding strand, the reverse complement: CHEK2 is on the minus strand). VCF-style (leftmost placement, unchanged base first): chr22-28734649-C-CG. GRCh37 (hg19) VCF-style: chr22-29130637-C-CG.
Other names: c.72dup, p.Val25Argfs (NM_001005735.3, NM_001349956.3, NM_145862.3); c.-706dup (NM_001257387.3); short protein forms V25fs.
Identifiers: ClinVar variation 2107029 (VCV002107029.4), dbSNP rs2518134467, ClinGen allele CA2580099465.
Genomic context (GRCh38, chr22:28,734,649, plus strand): 5'-TGCTGGTAGAGGAGCTGGATATGCCCTGGGACTGTGAGGAGGAGCCTTGGGACTGGGTAA[C>CG]GCTGCCATGGGGCTGTGAACAGGCACTGCTGCCATGAGACTGCTGAGCCTCAACATCCGA-3'